The following is an entry in ClinVar:

NM_205861.3(DHDDS):c.367G>A (p.Asp123Asn)

Gene: DHDDS (dehydrodolichyl diphosphate synthase subunit; plus strand). Cytogenetic location: 1p36.11.
Variant type: single nucleotide variant.
Coding change: c.367G>A on transcript NM_205861.3 (MANE Select); coding-DNA position 367, G replaced by A.
Protein change: p.Asp123Asn; replaces aspartic acid 123 with asparagine.
Molecular consequence: missense variant. On other transcripts: intron variant (1).
Genome position (GRCh38, 1-based): chr1:26,446,359, G>A. VCF-style: chr1-26446359-G-A. GRCh37 (hg19) VCF-style: chr1-26772850-G-A.
Other names: c.367G>A, p.Asp123Asn (NM_001243564.2, NM_024887.4); c.88G>A, p.Asp30Asn (NM_001319959.2); c.324-1200G>A (NM_001243565.2); short protein forms D30N, D123N.
Identifiers: ClinVar variation 2045452 (VCV002045452.7), dbSNP rs140565871, ClinGen allele CA705321.

ClinVar aggregate classification (germline): Uncertain significance. Review status: criteria provided, multiple submitters, no conflicts (2 of 4 stars). 4 submissions from 4 submitters: Uncertain significance (4). Last evaluated 2025-08-10.

Conditions:
DHDDS-related disorder. Also called: DHDDS-related condition.
Retinitis pigmentosa 59 (RP59). Identifiers: Orphanet 791, MedGen C3151227, MONDO:0013468, OMIM 613861.
Retinal dystrophy. Also called: Inherited retinal dystrophy. Identifiers: Orphanet 71862, MedGen C0854723, MeSH D058499, MONDO:0019118, HP:0000556.
Inborn genetic diseases. Identifiers: MedGen C0950123, MeSH D030342.

Allele frequency attached by ClinVar (database versions not stated): ExAC 0.00002; gnomAD 0.00003; TOPMed 0.00005; ESP Exome Variant Server 0.00008.

Submissions (4):

Labcorp Genetics (formerly Invitae), Labcorp
Classification: Uncertain significance for Retinitis pigmentosa 59. Last evaluated: 2025-08-10. Review status: criteria provided, single submitter. Criteria: Invitae Variant Classification Sherloc (09022015). Collection method: clinical testing. Allele origin: germline.
Comment: This sequence change replaces aspartic acid, which is acidic and polar, with asparagine, which is neutral and polar, at codon 123 of the DHDDS protein (p.Asp123Asn). This variant is present in population databases (rs140565871, gnomAD 0.008%). This variant has not been reported in the literature in individuals affected with DHDDS-related conditions. ClinVar contains an entry for this variant (Variation ID: 2045452). Invitae Evidence Modeling of protein sequence and biophysical properties (such as structural, functional, and spatial information, amino acid conservation, physicochemical variation, residue mobility, and thermodynamic stability) indicates that this missense variant is not expected to disrupt DHDDS protein function with a negative predictive value of 80%. In summary, the available evidence is currently insufficient to determine the role of this variant in disease. Therefore, it has been classified as a Variant of Uncertain Significance.

Ambry Genetics
Classification: Uncertain significance for Inborn genetic diseases. Last evaluated: 2025-05-17. Review status: criteria provided, single submitter. Criteria: Ambry Variant Classification Scheme 2023. Collection method: clinical testing. Allele origin: germline.

Dept Of Ophthalmology, Nagoya University
Classification: Uncertain significance for Retinal dystrophy. Last evaluated: 2023-10-01. Review status: criteria provided, single submitter. Criteria: Submitter's publication. Collection method: research. Allele origin: germline. Affected: yes.

PreventionGenetics, part of Exact Sciences
Classification: Uncertain significance for DHDDS-related condition. Last evaluated: 2022-10-07. Review status: criteria provided, single submitter. Criteria: ACMG Guidelines, 2015. Collection method: clinical testing. Allele origin: germline.
Comment: The DHDDS c.367G>A variant is predicted to result in the amino acid substitution p.Asp123Asn. To our knowledge, this variant has not been reported in the literature. This variant is reported in 0.0080% of alleles in individuals of African descent in gnomAD. At this time, the clinical significance of this variant is uncertain due to the absence of conclusive functional and genetic evidence.